The following is an entry in ClinVar:

NC_000022.10:g.(?_29092879)_(29095935_?)del

Gene: CHEK2 (checkpoint kinase 2; minus strand). Cytogenetic location: 22q12.1.
Variant type: Deletion.
Identifiers: ClinVar variation 1074928 (VCV001074928.6).

ClinVar aggregate classification (germline): Pathogenic (1 of 4 stars; one submission).

Conditions:
Familial cancer of breast. Also called: hereditary breast carcinoma; Hereditary breast cancer; BREAST CANCER, FAMILIAL. Identifiers: Orphanet 227535, MedGen C0346153, MONDO:0016419, OMIM 114480. Disease mechanism: loss of function.

Submission:

Labcorp Genetics (formerly Invitae), Labcorp
Classification: Pathogenic for Familial cancer of breast. Last evaluated: 2022-11-04. Review status: criteria provided, single submitter. Criteria: Invitae Variant Classification Sherloc (09022015). Collection method: clinical testing. Allele origin: germline.
Comment: This variant is a gross deletion of the genomic region encompassing exon(s) 9-10 of the CHEK2 gene. This deletion is out-of-frame, and is expected to create a premature termination codon and result in an absent or disrupted protein product. Loss-of-function variants in CHEK2 are known to be pathogenic (PMID: 21876083, 24713400). A similar copy number variant has been observed in individual(s) with breast cancer, prostate cancer, thyroid cancer, and thrombocythemia. In a large case-control study, the del5395 deletion was reported to be associated with a 2-fold increased risk (OR=2.0, 95% CI: 1.2‚Äì3.4) of breast cancer in women, independent of the age of onset (PMID: 16897426). The risk of breast cancer is higher in women with family history, although the odds ratio specific for del5395 was not indicated (PMID: 16551709, 16897426, 17085682, 19030985, 21876083, 22058216, 25583358). This variant is also known as del5395. For these reasons, this variant has been classified as Pathogenic.

Literature cited by the submitters: PubMed 21876083; PubMed 24713400; PubMed 16897426; PubMed 16551709; PubMed 17085682; PubMed 19030985; PubMed 22058216; PubMed 25583358.